The following is an entry in ClinVar:

ClinVar aggregate classification (germline): Likely benign (1 of 4 stars; one submission).

Allele frequency attached by ClinVar (database versions not stated): gnomAD 0.00001; gnomAD exomes 0.00003; TOPMed below 0.00001.
gnomAD v4.1: 41 of 1,614,098 alleles (0.0025%); highest among the groups gnomAD compares: Non-Finnish European, 0.0035%; no homozygotes.

Submission:

CeGaT Center for Human Genetics Tuebingen
Classification: Likely benign. Last evaluated: 2022-12-01. Review status: criteria provided, single submitter. Criteria: CeGaT Center For Human Genetics Tuebingen Variant Classification Criteria Version 2. Collection method: clinical testing. Allele origin: germline. Affected: yes. Observed: 1 variant allele.
Comment: USP34: BP4, BP7

NM_014709.4(USP34):c.8469A>G (p.Pro2823=)

Gene: USP34 (ubiquitin specific peptidase 34; minus strand). Cytogenetic location: 2p15.
Variant type: single nucleotide variant.
Coding change: c.8469A>G on transcript NM_014709.4 (MANE Select); coding-DNA position 8469, A replaced by G.
Protein change: p.Pro2823=; no amino-acid change (proline 2823 retained).
Molecular consequence: synonymous variant.
Genome position (GRCh38, 1-based): chr2:61,214,273, T>C on the plus strand (A>G on the coding strand, the complement: USP34 is on the minus strand). VCF-style: chr2-61214273-T-C. GRCh37 (hg19) VCF-style: chr2-61441408-T-C.
Identifiers: ClinVar variation 2650973 (VCV002650973.24), dbSNP rs1269920170, ClinGen allele CA426413020.
Genomic context (GRCh38, chr2:61,214,273, plus strand): 5'-CACATCCTGATCATCATGGTCAGCAAGGATGTAATTGAAGGCAATGTTCTTGGTTACCAC[T>C]GGGTTCTGAACAATAAGGCGGATATTCTCTGGACAGTCAGCACAGACATTGTACCAAAAT-3'
Protein context (NP_055524.3, residues 2813-2833): PENIRLIVQN[Pro2823=]VVTKNIAFNY